The following is an entry in ClinVar:

ClinVar aggregate classification (germline): Uncertain significance (1 of 4 stars; one submission).

Conditions:
Cardiomyopathy (CMYO). Also called: Cardiomyopathies. Identifiers: Orphanet 167848, MedGen C0878544, MONDO:0004994, HP:0001638. Inheritance: Various modes of inheritance.

Submission:

Color Diagnostics, LLC DBA Color Health
Classification: Uncertain significance for Cardiomyopathy. Last evaluated: 2024-06-30. Review status: criteria provided, single submitter. Criteria: ACMG Guidelines, 2015. Collection method: clinical testing. Allele origin: germline.
Comment: This missense variant replaces histidine with arginine at codon 398 of the RYR2 protein. Computational prediction is inconclusive regarding the impact of this variant on protein structure and function (internally defined REVEL score threshold 0.5 < inconclusive < 0.7, PMID: 27666373). To our knowledge, functional studies have not been reported for this variant. This variant has not been reported in individuals affected with RYR2-related disorders in the literature. This variant has not been identified in the general population by the Genome Aggregation Database (gnomAD). The available evidence is insufficient to determine the role of this variant in disease conclusively. Therefore, this variant is classified as a Variant of Uncertain Significance.

NM_001035.3(RYR2):c.1193A>G (p.His398Arg)

Gene: RYR2 (ryanodine receptor 2; plus strand). Cytogenetic location: 1q43.
Variant type: single nucleotide variant.
Coding change: c.1193A>G on transcript NM_001035.3 (MANE Select); coding-DNA position 1193, A replaced by G.
Protein change: p.His398Arg; replaces histidine 398 with arginine.
Molecular consequence: missense variant.
Genome position (GRCh38, 1-based): chr1:237,445,423, A>G. VCF-style: chr1-237445423-A-G. GRCh37 (hg19) VCF-style: chr1-237608723-A-G.
Other names: short protein forms H398R.
Identifiers: ClinVar variation 3893978 (VCV003893978.1).